The following is an entry in ClinVar:

NM_006642.5(SDCCAG8):c.10del (p.Ser4fs)

Gene: SDCCAG8 (SHH signaling and ciliogenesis regulator SDCCAG8; plus strand). Cytogenetic location: 1q43.
Variant type: Deletion.
Coding change: c.10del on transcript NM_006642.5 (MANE Select); coding-DNA position 10, one base deleted (T; older notation c.10delT).
Protein change: p.Ser4fs; shifts the reading frame from serine 4.
Molecular consequence: frameshift variant. On other transcripts: 5 prime UTR variant (4).
Genome position (GRCh38, 1-based): chr1:243,256,183, T deleted. VCF-style (leftmost placement, unchanged base first): chr1-243256182-GT-G. GRCh37 (hg19) VCF-style: chr1-243419484-GT-G.
Other names: c.-1103del (NM_001350246.2); c.-991del (NM_001350247.2); c.10del, p.Ser4fs (NM_001350248.2); c.-298del (NM_001350249.2); c.-1364del (NM_001350251.2); c.10delT (NM_006642.5); short protein forms S4fs.
Identifiers: ClinVar variation 4689305 (VCV004689305.1).
Genomic context (GRCh38, chr1:243,256,182, plus strand): 5'-AAAGCTGGACATTTCCCCACGTAACTCCCAGCTCTGGGCCTAGAGTGCGTGCATGGCGAA[GT>G]CCCCGGAGAACTCTACCCTGGAGGAGATTCTGGGGCAGTATCAACGGAGTCTCCGGGGTG-3'

ClinVar aggregate classification (germline): Pathogenic (1 of 4 stars; one submission).

Conditions:
Bardet-Biedl syndrome (BBS). Identifiers: Orphanet 110, MedGen C0752166, MONDO:0015229.

Submission:

Women's Health and Genetics/Laboratory Corporation of America, LabCorp
Classification: Pathogenic for Bardet-Biedl syndrome. Last evaluated: 2026-01-19. Review status: criteria provided, single submitter. Criteria: LabCorp Variant Classification Summary - May 2015. Collection method: clinical testing. Allele origin: germline.
Comment: Variant summary: SDCCAG8 c.10delT (p.Ser4ProfsX29) results in a premature termination codon, predicted to cause a truncation of the encoded protein or absence of the protein due to nonsense mediated decay, which are commonly known mechanisms for disease. The variant was absent in 251472 control chromosomes. To our knowledge, no occurrence of c.10delT in individuals affected with SDCCAG8-related conditions and no experimental evidence demonstrating its impact on protein function have been reported. No submitters have cited clinical-significance assessments for this variant to ClinVar. Based on the evidence outlined above, the variant was classified as pathogenic.